The following is an entry in ClinVar:

NM_152564.5(VPS13B):c.8645G>T (p.Cys2882Phe)

Gene: VPS13B (vacuolar protein sorting 13 homolog B; plus strand). Cytogenetic location: 8q22.2.
Variant type: single nucleotide variant.
Coding change: c.8645G>T on transcript NM_152564.5 (MANE Select); coding-DNA position 8645, G replaced by T.
Protein change: p.Cys2882Phe; replaces cysteine 2882 with phenylalanine.
Molecular consequence: missense variant.
Genome position (GRCh38, 1-based): chr8:99,819,435, G>T. VCF-style: chr8-99819435-G-T. GRCh37 (hg19) VCF-style: chr8-100831663-G-T.
Other names: c.8645G>T (NM_152564.4); c.8720G>T, p.Cys2907Phe (NM_017890.5); short protein forms C2882F, C2907F.
Identifiers: ClinVar variation 838661 (VCV000838661.6), dbSNP rs954722328, ClinGen allele CA182328627.

ClinVar aggregate classification (germline): Uncertain significance. Review status: criteria provided, multiple submitters, no conflicts (2 of 4 stars). 3 submissions from 3 submitters: Uncertain significance (2). 1 of the submissions does not count toward it. Last evaluated 2025-02-06.

Conditions:
VPS13B-related disorder. Also called: VPS13B-related condition.
Cohen syndrome (COH1). Also called: PEPPER SYNDROME; Cutis verticis gyrata, retinitis pigmentosa, and sensorineural deafness. Identifiers: Orphanet 193, MedGen C0265223, MONDO:0008999, OMIM 216550.

Allele frequency attached by ClinVar (database versions not stated): gnomAD exomes 0.00001; gnomAD 0.00002; TOPMed 0.00002.
gnomAD v4.1: 10 of 1,613,636 alleles (0.00062%); highest among the groups gnomAD compares: Non-Finnish European, 0.00085%; no homozygotes.

Submissions (3):

PreventionGenetics, part of Exact Sciences
Classification: Uncertain significance for VPS13B-related condition. Last evaluated: 2025-02-06. Review status: criteria provided, single submitter. Criteria: ACMG Guidelines, 2015. Collection method: clinical testing. Allele origin: germline.
Comment: The VPS13B c.8645G>T variant is predicted to result in the amino acid substitution p.Cys2882Phe. To our knowledge, this variant has not been reported in the literature or in a large population database, indicating this variant is rare. At this time, the clinical significance of this variant is uncertain due to the absence of conclusive functional and genetic evidence.

Labcorp Genetics (formerly Invitae), Labcorp
Classification: Uncertain significance for Cohen syndrome. Last evaluated: 2023-07-07. Review status: criteria provided, single submitter. Criteria: Invitae Variant Classification Sherloc (09022015). Collection method: clinical testing. Allele origin: germline.
Comment: This sequence change replaces cysteine, which is neutral and slightly polar, with phenylalanine, which is neutral and non-polar, at codon 2907 of the VPS13B protein (p.Cys2907Phe). In summary, the available evidence is currently insufficient to determine the role of this variant in disease. Therefore, it has been classified as a Variant of Uncertain Significance. Advanced modeling of protein sequence and biophysical properties (such as structural, functional, and spatial information, amino acid conservation, physicochemical variation, residue mobility, and thermodynamic stability) performed at Invitae indicates that this missense variant is expected to disrupt VPS13B protein function. ClinVar contains an entry for this variant (Variation ID: 838661). This variant has not been reported in the literature in individuals affected with VPS13B-related conditions. This variant is not present in population databases (gnomAD no frequency).

Natera, Inc.
Classification: Uncertain significance for Cohen syndrome. Last evaluated: 2020-09-16. Review status: no assertion criteria provided. Collection method: clinical testing. Allele origin: germline. Not counted in ClinVar's aggregate classification.